The following is an entry in ClinVar:

NM_001134382.3(IQSEC1):c.1065G>C (p.Glu355Asp)

Gene: IQSEC1 (IQ motif and Sec7 domain ArfGEF 1; minus strand). Cytogenetic location: 3p25.2.
Variant type: single nucleotide variant.
Coding change: c.1065G>C on transcript NM_001134382.3 (MANE Select); coding-DNA position 1065, G replaced by C.
Protein change: p.Glu355Asp; replaces glutamic acid 355 with aspartic acid.
Molecular consequence: missense variant.
Genome position (GRCh38, 1-based): chr3:12,935,951, C>G on the plus strand (G>C on the coding strand, the complement: IQSEC1 is on the minus strand). VCF-style: chr3-12935951-C-G. GRCh37 (hg19) VCF-style: chr3-12977451-C-G.
Other names: c.741G>C, p.Glu247Asp (NM_001330619.3); c.1389G>C, p.Glu463Asp (NM_001376938.2); c.1107G>C, p.Glu369Asp (NM_014869.8); short protein forms E247D, E355D, E369D, E463D.
Identifiers: ClinVar variation 2355201 (VCV002355201.3), dbSNP rs148427042, ClinGen allele CA2262357.

ClinVar aggregate classification (germline): Uncertain significance. Review status: criteria provided, multiple submitters, no conflicts (2 of 4 stars). 2 submissions from 2 submitters: Uncertain significance (2). Last evaluated 2025-06-11.

Allele frequency attached by ClinVar (database versions not stated): 1000 Genomes Project 0.00040; 1000 Genomes Project 30x 0.00047; TOPMed 0.00047; ExAC 0.00048; ESP Exome Variant Server 0.00052; gnomAD 0.00038.
gnomAD v4.1: 809 of 1,598,384 alleles (0.051%); highest among the groups gnomAD compares: Non-Finnish European, 0.063%; no homozygotes.

Submissions (2):

Women's Health and Genetics/Laboratory Corporation of America, LabCorp
Classification: Uncertain significance. Last evaluated: 2025-06-11. Review status: criteria provided, single submitter. Criteria: LabCorp Variant Classification Summary - May 2015. Collection method: clinical testing. Allele origin: germline.
Comment: Variant summary: IQSEC1 c.1107G>C (p.Glu369Asp) results in a conservative amino acid change in the encoded protein sequence. Algorithms developed to predict the effect of missense changes on protein structure and function are either unavailable or do not agree on the potential impact of this missense change. The variant allele was found at a frequency of 0.00039 in 227296 control chromosomes. This frequency is not significantly higher than estimated for a pathogenic variant in IQSEC1 causing Intellectual Developmental Disorder With Short Stature And Behavioral Abnormalities, allowing no conclusion about variant significance. To our knowledge, no occurrence of c.1107G>C in individuals affected with Intellectual Developmental Disorder With Short Stature And Behavioral Abnormalities and no experimental evidence demonstrating its impact on protein function have been reported. ClinVar contains an entry for this variant (Variation ID: 2355201). Based on the evidence outlined above, the variant was classified as uncertain significance.

Ambry Genetics
Classification: Uncertain significance. Last evaluated: 2023-12-21. Review status: criteria provided, single submitter. Criteria: Ambry Variant Classification Scheme 2023. Collection method: clinical testing. Allele origin: germline.